The following is an entry in ClinVar:

ClinVar aggregate classification (germline): Conflicting classifications of pathogenicity. Review status: criteria provided, conflicting classifications (1 of 4 stars). 4 submissions from 4 submitters: Uncertain significance (1); Likely benign (2). 1 of the submissions does not count toward it. Last evaluated 2025-11-09.

Conditions:
BBS2-related disorder. Also called: BBS2-related disorders; BBS2-related condition. Identifiers: MedGen CN239228.
Bardet-Biedl syndrome 2 (BBS2). Identifiers: Orphanet 110, MedGen C2936863, MONDO:0014432, OMIM 615981.
Bardet-Biedl syndrome (BBS). Identifiers: Orphanet 110, MedGen C0752166, MONDO:0015229.

Allele frequency attached by ClinVar (database versions not stated): gnomAD 0.00001; TOPMed 0.00001.
gnomAD v4.1: 13 of 1,613,716 alleles (0.00081%); highest among the groups gnomAD compares: South Asian, 0.0011%; no homozygotes.

Submissions (4):

Labcorp Genetics (formerly Invitae), Labcorp
Classification: Likely benign for Bardet-Biedl syndrome. Last evaluated: 2025-11-09. Review status: criteria provided, single submitter. Criteria: Invitae Variant Classification Sherloc (09022015). Collection method: clinical testing. Allele origin: germline.

PreventionGenetics, part of Exact Sciences
Classification: Likely benign for BBS2-related condition. Last evaluated: 2025-06-16. Review status: criteria provided, single submitter. Criteria: ACMG Guidelines, 2015. Collection method: clinical testing. Allele origin: germline.
Comment: This variant is classified as likely benign based on ACMG/AMP sequence variant interpretation guidelines (Richards et al. 2015 PMID: 25741868, with internal and published modifications).

Illumina Laboratory Services, Illumina
Classification: Uncertain significance for Bardet-Biedl syndrome 2. Last evaluated: 2018-01-13. Review status: criteria provided, single submitter. Criteria: ICSL Variant Classification Criteria 13 December 2019. Collection method: clinical testing. Allele origin: germline.

Counsyl
Classification: Likely benign for Bardet-Biedl syndrome 2. Last evaluated: 2018-04-03. Review status: no assertion criteria provided. Collection method: clinical testing. Allele origin: unknown. Not counted in ClinVar's aggregate classification.

NM_031885.5(BBS2):c.534+7G>C

Gene: BBS2 (Bardet-Biedl syndrome 2; minus strand). Cytogenetic location: 16q13.
Variant type: single nucleotide variant.
Coding change: c.534+7G>C on transcript NM_031885.5 (MANE Select); 7 bases into the intron after coding-DNA position 534, G replaced by C.
Molecular consequence: intron variant.
Genome position (GRCh38, 1-based): chr16:56,510,852, C>G on the plus strand (G>C on the coding strand, the complement: BBS2 is on the minus strand). VCF-style: chr16-56510852-C-G. GRCh37 (hg19) VCF-style: chr16-56544764-C-G.
Other names: c.534+7G>C (NM_001377456.1).
Identifiers: ClinVar variation 319866 (VCV000319866.15), dbSNP rs886052149, ClinGen allele CA10638049.